The following is an entry in ClinVar:

NM_001001957.2(OR2W3):c.233T>G (p.Ile78Ser)

Gene: OR2W3 (olfactory receptor family 2 subfamily W member 3; plus strand). Cytogenetic location: 1q44.
Variant type: single nucleotide variant.
Coding change: c.233T>G on transcript NM_001001957.2 (MANE Select); coding-DNA position 233, T replaced by G.
Protein change: p.Ile78Ser; replaces isoleucine 78 with serine.
Molecular consequence: missense variant.
Genome position (GRCh38, 1-based): chr1:247,895,819, T>G. VCF-style: chr1-247895819-T-G. GRCh37 (hg19) VCF-style: chr1-248059121-T-G.
Other names: short protein forms I78S.
Identifiers: ClinVar variation 1964637 (VCV001964637.5), dbSNP rs2527687503, ClinGen allele CA345591670.

ClinVar aggregate classification (germline): Uncertain significance (1 of 4 stars; one submission).

Submission:

Labcorp Genetics (formerly Invitae), Labcorp
Classification: Uncertain significance. Last evaluated: 2023-05-15. Review status: criteria provided, single submitter. Criteria: Invitae Variant Classification Sherloc (09022015). Collection method: clinical testing. Allele origin: germline.
Comment: This sequence change replaces isoleucine, which is neutral and non-polar, with serine, which is neutral and polar, at codon 78 of the OR2W3 protein (p.Ile78Ser). This variant is not present in population databases (gnomAD no frequency). This variant has not been reported in the literature in individuals affected with OR2W3-related conditions. ClinVar contains an entry for this variant (Variation ID: 1964637). An algorithm developed to predict the effect of missense changes on protein structure and function (PolyPhen-2) suggests that this variant is likely to be tolerated. In summary, the available evidence is currently insufficient to determine the role of this variant in disease. Therefore, it has been classified as a Variant of Uncertain Significance.